The following is an entry in ClinVar:

NM_000136.3(FANCC):c.209T>C (p.Leu70Pro)

Gene: FANCC (FA complementation group C; minus strand). Cytogenetic location: 9q22.32.
Variant type: single nucleotide variant.
Coding change: c.209T>C on transcript NM_000136.3 (MANE Select); coding-DNA position 209, T replaced by C.
Protein change: p.Leu70Pro; replaces leucine 70 with proline.
Molecular consequence: missense variant.
Genome position (GRCh38, 1-based): chr9:95,247,473, A>G on the plus strand (T>C on the coding strand, the complement: FANCC is on the minus strand). VCF-style: chr9-95247473-A-G. GRCh37 (hg19) VCF-style: chr9-98009755-A-G.
Other names: c.209T>C, p.Leu70Pro (NM_001243743.2, NM_001243744.2); short protein forms L70P.
Identifiers: ClinVar variation 3230375 (VCV003230375.2), dbSNP rs150174412, ClinGen allele CA374340076.

ClinVar aggregate classification (germline): Uncertain significance. Review status: criteria provided, multiple submitters, no conflicts (2 of 4 stars). 2 submissions from 2 submitters: Uncertain significance (2). Last evaluated 2025-07-31.

Conditions:
Hereditary cancer-predisposing syndrome. Also called: Neoplastic Syndromes, Hereditary; Tumor predisposition; Hereditary neoplastic syndrome; Hereditary Cancer Syndrome. Identifiers: Orphanet 140162, MedGen C0027672, MeSH D009386, MONDO:0015356.

Submissions (2):

Quest Diagnostics Nichols Institute San Juan Capistrano
Classification: Uncertain significance. Last evaluated: 2025-07-31. Review status: criteria provided, single submitter. Criteria: Quest Diagnostics criteria. Collection method: clinical testing. Allele origin: unknown.
Comment: The FANCC c.209T>C (p.Leu70Pro) variant has not been reported in individuals with FANCC-related conditions in the published literature. This variant has not been reported in large, multi-ethnic general populations (Genome Aggregation Database). Analysis of this variant using bioinformatics tools for the prediction of the effect of amino acid changes on protein structure and function yielded predictions that this variant is damaging. Based on the available information, we are unable to determine the clinical significance of this variant.

Ambry Genetics
Classification: Uncertain significance for Hereditary cancer-predisposing syndrome. Last evaluated: 2023-11-08. Review status: criteria provided, single submitter. Criteria: Ambry Variant Classification Scheme 2023. Collection method: clinical testing. Allele origin: germline.
Comment: The p.L70P variant (also known as c.209T>C), located in coding exon 2 of the FANCC gene, results from a T to C substitution at nucleotide position 209. The leucine at codon 70 is replaced by proline, an amino acid with similar properties. This amino acid position is conserved. In addition, this alteration is predicted to be deleterious by in silico analysis. Since supporting evidence is limited at this time, the clinical significance of this alteration remains unclear.